The following is an entry in ClinVar:

ClinVar aggregate classification (germline): Uncertain significance (1 of 4 stars; one submission).

Conditions:
H syndrome. Also called: HISTIOCYTOSIS AND LYMPHADENOPATHY WITH OR WITHOUT CUTANEOUS, CARDIAC, AND/OR ENDOCRINE FEATURES, JOINT CONTRACTURES, AND/OR DEAFNESS; HYPERPIGMENTATION, CUTANEOUS, WITH HYPERTRICHOSIS, HEPATOSPLENOMEGALY, HEART ANOMALIES, AND HYPOGONADISM WITH OR WITHOUT HEARING LOSS; PIGMENTED HYPERTRICHOSIS WITH INSULIN-DEPENDENT DIABETES MELLITUS; ROSAI-DORFMAN DISEASE, FAMILIAL; SINUS HISTIOCYTOSIS AND MASSIVE LYMPHADENOPATHY; Hyperpigmentation, Cutaneous, with Hypertrichosis, Hepatosplenomegaly, Heart Anomalies, Hearing Loss, and Hypogonadism. Identifiers: Orphanet 168569, MedGen C1864445, MONDO:0011273, OMIM 602782.

Allele frequency attached by ClinVar (database versions not stated): TOPMed below 0.00001.

Submission:

Labcorp Genetics (formerly Invitae), Labcorp
Classification: Uncertain significance for H syndrome. Last evaluated: 2021-11-01. Review status: criteria provided, single submitter. Criteria: Invitae Variant Classification Sherloc (09022015). Collection method: clinical testing. Allele origin: germline.
Comment: This sequence change replaces methionine, which is neutral and non-polar, with valine, which is neutral and non-polar, at codon 195 of the SLC29A3 protein (p.Met195Val). In summary, the available evidence is currently insufficient to determine the role of this variant in disease. Therefore, it has been classified as a Variant of Uncertain Significance. Algorithms developed to predict the effect of sequence changes on RNA splicing suggest that this variant may create or strengthen a splice site. Algorithms developed to predict the effect of missense changes on protein structure and function (SIFT, PolyPhen-2, Align-GVGD) all suggest that this variant is likely to be tolerated. This variant has not been reported in the literature in individuals affected with SLC29A3-related conditions. This variant is present in population databases (rs748749123, gnomAD 0.006%).

NM_018344.6(SLC29A3):c.583A>G (p.Met195Val)

Gene: SLC29A3 (solute carrier family 29 member 3; plus strand). Cytogenetic location: 10q22.1.
Variant type: single nucleotide variant.
Coding change: c.583A>G on transcript NM_018344.6 (MANE Select); coding-DNA position 583, A replaced by G.
Protein change: p.Met195Val; replaces methionine 195 with valine.
Molecular consequence: missense variant. On other transcripts: non-coding transcript variant (1).
Genome position (GRCh38, 1-based): chr10:71,351,761, A>G. VCF-style: chr10-71351761-A-G. GRCh37 (hg19) VCF-style: chr10-73111518-A-G.
Other names: c.583A>G, p.Met195Val (NM_001174098.2); c.349A>G, p.Met117Val (NM_001363518.2); short protein forms M195V, M117V.
Identifiers: ClinVar variation 1406819 (VCV001406819.6), dbSNP rs748749123, ClinGen allele CA5542964.